The following is an entry in ClinVar:

NM_001291303.3(FAT4):c.7199+29T>G

Gene: FAT4 (FAT atypical cadherin 4; plus strand). Cytogenetic location: 4q28.1.
Variant type: single nucleotide variant.
Coding change: c.7199+29T>G on transcript NM_001291303.3 (MANE Select); 29 bases into the intron after coding-DNA position 7199, T replaced by G.
Molecular consequence: intron variant.
Genome position (GRCh38, 1-based): chr4:125,434,454, T>G. VCF-style: chr4-125434454-T-G. GRCh37 (hg19) VCF-style: chr4-126355609-T-G.
Other names: p.?; c.7199+29T>G (NM_001291285.3, NM_024582.6).
Identifiers: ClinVar variation 1222490 (VCV001222490.8), dbSNP rs7656135, ClinGen allele CA3073121.

ClinVar aggregate classification (germline): Benign. Review status: criteria provided, multiple submitters, no conflicts (2 of 4 stars). 6 submissions from 5 submitters: Benign (6). Last evaluated 2024-01-24.

Conditions:
Hennekam lymphangiectasia-lymphedema syndrome 2 (HKLLS2). Identifiers: Orphanet 2136, MedGen C4014939, MONDO:0014454, OMIM 616006.
Van Maldergem syndrome 2 (VMLDS2). Identifiers: Orphanet 314679, MedGen C3809875, MONDO:0014242, OMIM 615546.

Allele frequency attached by ClinVar (database versions not stated): 1000 Genomes Project 30x 0.98798; ESP Exome Variant Server 0.99239; gnomAD 0.99322 and 0.99289; 1000 Genomes Project 0.99081; TOPMed 0.99217.
gnomAD v4.1: 1,607,110 of 1,609,134 alleles (100%); highest among the groups gnomAD compares: East Asian, 100%; 802,565 homozygotes.

Submissions (6):

Unidad de Genómica Garrahan, Hospital de Pediatría Garrahan
Classification: Benign. Last evaluated: 2024-01-24. Review status: criteria provided, single submitter. Criteria: ACMG Guidelines, 2015. Collection method: clinical testing. Allele origin: germline. Affected: no. Observed: 95 variant alleles.
Comment: This variant is classified as Benign based on local population frequency. This variant was detected in 100% of patients studied by a panel of primary immunodeficiencies. Number of patients: 95. Only high quality variants are reported.

Genome-Nilou Lab
Classification: Benign for Hennekam lymphangiectasia-lymphedema syndrome 2. Last evaluated: 2021-08-10. Review status: criteria provided, single submitter. Criteria: ACMG Guidelines, 2015. Collection method: clinical testing. Allele origin: germline. Affected: no.

Genome-Nilou Lab
Classification: Benign for Van Maldergem syndrome 2. Last evaluated: 2021-08-10. Review status: criteria provided, single submitter. Criteria: ACMG Guidelines, 2015. Collection method: clinical testing. Allele origin: germline. Affected: no.

Mayo Clinic Laboratories, Mayo Clinic
Classification: Benign. Last evaluated: 2021-04-07. Review status: criteria provided, single submitter. Criteria: ACMG Guidelines, 2015. Collection method: clinical testing. Allele origin: germline. Observed: 1 variant allele.

GeneDx
Classification: Benign. Last evaluated: 2018-06-26. Review status: criteria provided, single submitter. Criteria: GeneDx Variant Classification Process June 2021. Collection method: clinical testing. Allele origin: germline. Affected: yes.

Breakthrough Genomics
Classification: Benign. Review status: criteria provided, single submitter. Criteria: ACMG Guidelines, 2015. Collection method: not provided. Allele origin: germline. Inheritance: Autosomal recessive inheritance. Affected: yes.